The following is an entry in ClinVar:

NC_000012.12:g.32747139A>G

Genes: DNM1L (dynamin 1 like; plus strand), YARS2 (tyrosyl-tRNA synthetase 2; minus strand). Cytogenetic location: 12p11.21.
Variant type: single nucleotide variant.
Molecular consequence: 3 prime UTR variant (on NM_001040436.3).
Genome position: GRCh38 VCF-style: chr12-32747139-A-G. GRCh37 (hg19) VCF-style: chr12-32900073-A-G.
Other names: c.*65T>C (NM_001040436.3).
Identifiers: ClinVar variation 3357555 (VCV003357555.1).
Genomic context (GRCh38, chr12:32,747,139, plus strand): 5'-GAGTCCTAGTCCATTCTGTTTTTCTGATTTGCATAAGCAAAGGTCTAAGTTCTGGAGCCA[A>G]CCCTTCAGAGGTCTTGAGAATGAATGATGGGTAAGTTTATTTGGACAACCAGAAGGACTT-3'

ClinVar aggregate classification (germline): Likely benign (0 of 4 stars; one submission).

Conditions:
DNM1L-related disorder. Also called: DNM1L-related condition.

Submission:

PreventionGenetics, part of Exact Sciences
Classification: Likely benign for DNM1L-related condition. Last evaluated: 2024-05-22. Review status: no assertion criteria provided. Collection method: clinical testing. Allele origin: germline.
Comment: This variant is classified as likely benign based on ACMG/AMP sequence variant interpretation guidelines (Richards et al. 2015 PMID: 25741868, with internal and published modifications).